The following is an entry in ClinVar:

NM_001430.5(EPAS1):c.2413G>C (p.Ala805Pro)

Gene: EPAS1 (endothelial PAS domain protein 1; plus strand). Cytogenetic location: 2p21.
Variant type: single nucleotide variant.
Coding change: c.2413G>C on transcript NM_001430.5 (MANE Select); coding-DNA position 2413, G replaced by C.
Protein change: p.Ala805Pro; replaces alanine 805 with proline.
Molecular consequence: missense variant.
Genome position (GRCh38, 1-based): chr2:46,382,550, G>C. VCF-style: chr2-46382550-G-C. GRCh37 (hg19) VCF-style: chr2-46609689-G-C.
Other names: short protein forms A805P.
Identifiers: ClinVar variation 3508970 (VCV003508970.1).

ClinVar aggregate classification (germline): Uncertain significance (1 of 4 stars; one submission).

Conditions:
Inborn genetic diseases. Identifiers: MedGen C0950123, MeSH D030342.

gnomAD v4.1: 1 of 1,614,118 alleles (0.000062%); highest among the groups gnomAD compares: African/African-American, 0.0013%; no homozygotes.

Submission:

Ambry Genetics
Classification: Uncertain significance for Inborn genetic diseases. Last evaluated: 2024-08-14. Review status: criteria provided, single submitter. Criteria: Ambry Variant Classification Scheme 2023. Collection method: clinical testing. Allele origin: germline.
Comment: The p.A805P variant (also known as c.2413G>C), located in coding exon 15 of the EPAS1 gene, results from a G to C substitution at nucleotide position 2413. The alanine at codon 805 is replaced by proline, an amino acid with highly similar properties. This amino acid position is conserved. In addition, this alteration is predicted to be tolerated by in silico analysis. Based on the available evidence, the clinical significance of this variant remains unclear.